The following is an entry in ClinVar:

NM_021830.5(TWNK):c.625T>C (p.Phe209Leu)

Gene: TWNK (twinkle mtDNA helicase; plus strand). Cytogenetic location: 10q24.31.
Variant type: single nucleotide variant.
Coding change: c.625T>C on transcript NM_021830.5 (MANE Select); coding-DNA position 625, T replaced by C.
Protein change: p.Phe209Leu; replaces phenylalanine 209 with leucine.
Molecular consequence: missense variant. On other transcripts: non-coding transcript variant (4), intron variant (3).
Genome position (GRCh38, 1-based): chr10:100,988,835, T>C. VCF-style: chr10-100988835-T-C. GRCh37 (hg19) VCF-style: chr10-102748592-T-C.
Other names: c.625T>C, p.Phe209Leu (NM_001163812.2); c.-119-809T>C (NM_001163814.2, NM_001163813.2); c.-57-871T>C (NM_001368275.1); short protein forms F209L.
Identifiers: ClinVar variation 4745966 (VCV004745966.1).
Genomic context (GRCh38, chr10:100,988,835, plus strand): 5'-ACACTCAAGCGTTTCAGTGTGCGATATCTGCGACCTGCTCGCAGTCTTGTCTTCCCTTGG[T>C]TCTCCCCTGGGGGCTCAGGATTACGAGGCCTGAAGCTCCTAGAGGCTAAATGCCAGGGGG-3'
Protein context (NP_068602.2, residues 199-219): RPARSLVFPW[Phe209Leu]SPGGSGLRGL

ClinVar aggregate classification (germline): Uncertain significance (1 of 4 stars; one submission).

Submission:

Labcorp Genetics (formerly Invitae), Labcorp
Classification: Uncertain significance. Last evaluated: 2025-11-21. Review status: criteria provided, single submitter. Criteria: Invitae Variant Classification Sherloc (09022015). Collection method: clinical testing. Allele origin: germline.
Comment: This sequence change replaces phenylalanine, which is neutral and non-polar, with leucine, which is neutral and non-polar, at codon 209 of the TWNK protein (p.Phe209Leu). This variant is not present in population databases (gnomAD no frequency). This variant has not been reported in the literature in individuals affected with TWNK-related conditions. An algorithm developed to predict the effect of missense changes on protein structure and function outputs the following: PolyPhen-2: "Benign". The leucine amino acid residue is found in multiple mammalian species, which suggests that this missense change does not adversely affect protein function. In summary, the available evidence is currently insufficient to determine the role of this variant in disease. Therefore, it has been classified as a Variant of Uncertain Significance.